The following is an entry in ClinVar:

NM_000059.4(BRCA2):c.1960G>T (p.Glu654Ter)

Gene: BRCA2 (BRCA2 DNA repair associated; plus strand). Cytogenetic location: 13q13.1.
Variant type: single nucleotide variant.
Coding change: c.1960G>T on transcript NM_000059.4 (MANE Select); coding-DNA position 1960, G replaced by T.
Protein change: p.Glu654Ter; replaces glutamic acid 654 with a stop codon.
Molecular consequence: nonsense.
Genome position (GRCh38, 1-based): chr13:32,336,315, G>T. VCF-style: chr13-32336315-G-T. GRCh37 (hg19) VCF-style: chr13-32910452-G-T.
Other names: short protein forms E654*.
Identifiers: ClinVar variation 187587 (VCV000187587.6), dbSNP rs786203845, ClinGen allele CA014026.
Genomic context (GRCh38, chr13:32,336,315, plus strand): 5'-TTATGTTTAGGTTTATTGCATTCTTCTGTGAAAAGAAGCTGTTCACAGAATGATTCTGAA[G>T]AACCAACTTTGTCCTTAACTAGCTCTTTTGGGACAATTCTGAGGAAATGTTCTAGAAATG-3'

ClinVar aggregate classification (germline): Pathogenic. Review status: reviewed by expert panel (3 of 4 stars). 2 submissions from 2 submitters: Pathogenic (1). 1 of the submissions does not count toward it. Last evaluated 2016-09-08.

Conditions:
Hereditary cancer-predisposing syndrome. Also called: Hereditary Cancer Syndrome; Neoplastic Syndromes, Hereditary; Tumor predisposition; Hereditary neoplastic syndrome. Identifiers: Orphanet 140162, MedGen C0027672, MeSH D009386, MONDO:0015356.
Breast-ovarian cancer, familial, susceptibility to, 2 (BROVCA2). Also called: BRCA2 Hereditary Breast and Ovarian Cancer. Identifiers: Orphanet 145, MedGen C2675520, MONDO:0012933, OMIM 612555. Disease mechanism: loss of function.

Submissions (2):

Evidence-based Network for the Interpretation of Germline Mutant Alleles (ENIGMA)
Classification: Pathogenic for Breast-ovarian cancer, familial, susceptibility to, 2. Last evaluated: 2016-09-08. Review status: reviewed by expert panel. Criteria: ENIGMA BRCA1/2 Classification Criteria (2015). Collection method: curation. Allele origin: germline.
Comment: Variant allele predicted to encode a truncated non-functional protein.

Ambry Genetics
Classification: Pathogenic for Hereditary cancer-predisposing syndrome. Last evaluated: 2022-03-07. Review status: criteria provided, single submitter. Criteria: Ambry Variant Classification Scheme 2023. Collection method: clinical testing. Allele origin: germline. Not counted in ClinVar's aggregate classification.
Comment: The p.E654* pathogenic mutation (also known as c.1960G>T), located in coding exon 10 of the BRCA2 gene, results from a G to T substitution at nucleotide position 1960. This changes the amino acid from a glutamic acid to a stop codon within coding exon 10. This alteration is expected to result in loss of function by premature protein truncation or nonsense-mediated mRNA decay. As such, this alteration is interpreted as a disease-causing mutation.